The following is an entry in ClinVar:

NM_001330311.2(DVL1):c.499C>T (p.Arg167Ter)

Gene: DVL1 (dishevelled segment polarity protein 1; minus strand). Cytogenetic location: 1p36.33.
Variant type: single nucleotide variant.
Coding change: c.499C>T on transcript NM_001330311.2 (MANE Select); coding-DNA position 499, C replaced by T.
Protein change: p.Arg167Ter; replaces arginine 167 with a stop codon.
Molecular consequence: nonsense.
Genome position (GRCh38, 1-based): chr1:1,341,773, G>A on the plus strand (C>T on the coding strand, the complement: DVL1 is on the minus strand). VCF-style: chr1-1341773-G-A. GRCh37 (hg19) VCF-style: chr1-1277153-G-A.
Other names: c.499C>T, p.Arg167Ter (NM_004421.3); short protein forms R167*.
Identifiers: ClinVar variation 1699271 (VCV001699271.3), dbSNP rs775845636, ClinGen allele CA520647.
Genomic context (GRCh38, chr1:1,341,773, plus strand): 5'-CAAGCTCGCTGCTGAGGGCGGTGGACGCGCTGTCTGGGGGCAGCCCCACATCCCGCCGTC[G>A]GTCTCCCCTTGGGTGCCCATTGGTCCGGGCGGCTGTGGGGGCAGCAGGTTGGGAACTGAC-3'

ClinVar aggregate classification (germline): Uncertain significance (1 of 4 stars; one submission).

Conditions:
Autosomal dominant Robinow syndrome 2. Identifiers: Orphanet 3107, Orphanet 97360, MedGen C4225363, MONDO:0014591, OMIM 616331.

Submission:

Victorian Clinical Genetics Services, Murdoch Childrens Research Institute
Classification: Uncertain significance for Autosomal dominant Robinow syndrome 2. Last evaluated: 2022-02-02. Review status: criteria provided, single submitter. Criteria: ACMG Guidelines, 2015. Collection method: clinical testing. Allele origin: germline. Inheritance: Autosomal dominant inheritance.
Comment: Based on the classification scheme VCGS_Germline_v1.3.4, this variant is classified as VUS-3B. Following criteria are met: 0104 - Dominant negative is a known mechanism of disease in this gene and is associated with Robinow syndrome, autosomal dominant 2 (MIM#616331). In vitro assays for a single variant has proven dominant-negative effects (PMID: 25817014). In addition, gain-of-function is also a suggested mechanism of disease (GeneReviews). (I) 0107 - This gene is associated with autosomal dominant disease. (I) 0114 - The established mechanism of disease for this gene is inconsistent with the identified variant type. (SB) 0201 - Variant is predicted to cause nonsense-mediated decay (NMD) and loss of protein (premature termination codon is located at least 54 nucleotides upstream of the final exon-exon junction). (SP) 0251 - This variant is heterozygous. (I) 0302 - Variant is present in gnomAD <0.001 for a dominant condition (v2: 1 heterozygote, 0 homozygotes). (SP) 0705 - No comparable NMD-predicted variants have previous evidence for pathogenicity. Only one has been reported and classified as likely pathogenic by a diagnostic laboratory in ClinVar. However, no additional evidence or details were provided and given that this variant type does not fit the known disease mechanism, this ClinVar entry should be treated with caution. (I) 0807 - This variant has no previous evidence of pathogenicity. (I) 0905 - No published segregation evidence has been identified for this variant. (SP) Legend: (SP) - Supporting pathogenic, (I) - Information, (SB) - Supporting benign

Literature cited by the submitters: PubMed 25817014.